The following is an entry in ClinVar:

NM_001242896.3(DEPDC5):c.1237C>T (p.Gln413Ter)

Gene: DEPDC5 (DEP domain containing 5, GATOR1 subcomplex subunit; plus strand). Cytogenetic location: 22q12.3.
Variant type: single nucleotide variant.
Coding change: c.1237C>T on transcript NM_001242896.3 (MANE Select); coding-DNA position 1237, C replaced by T.
Protein change: p.Gln413Ter; replaces glutamine 413 with a stop codon.
Molecular consequence: nonsense. On other transcripts: non-coding transcript variant (5).
Genome position (GRCh38, 1-based): chr22:31,806,141, C>T. VCF-style: chr22-31806141-C-T. GRCh37 (hg19) VCF-style: chr22-32202127-C-T.
Other names: c.1237C>T, p.Gln413Ter (NM_001007188.4, NM_001136029.4, NM_001242897.2 and 7 more transcripts); c.1153C>T, p.Gln385Ter (NM_001369901.1, NM_001369902.1); short protein forms Q385*, Q413*.
Identifiers: ClinVar variation 3384069 (VCV003384069.1).

ClinVar aggregate classification (germline): Pathogenic (1 of 4 stars; one submission).

Conditions:
Epilepsy. Also called: Seizure disorder. Identifiers: MedGen C0014544, MeSH D004827, MONDO:0005027.

Submission:

Dubai Health Genomic Medicine Center, Dubai Health
Classification: Pathogenic for Epilepsy. Last evaluated: 2024-10-04. Review status: criteria provided, single submitter. Criteria: ACMG Guidelines, 2015. Collection method: research. Allele origin: germline. Affected: yes.
Comment: PVS1,PP4,PM3